The following is an entry in ClinVar:

NM_001363118.2(SLC52A2):c.1052G>A (p.Gly351Asp)

Gene: SLC52A2 (solute carrier family 52 member 2; plus strand). Cytogenetic location: 8q24.3.
Variant type: single nucleotide variant.
Coding change: c.1052G>A on transcript NM_001363118.2 (MANE Select); coding-DNA position 1052, G replaced by A.
Protein change: p.Gly351Asp; replaces glycine 351 with aspartic acid.
Molecular consequence: missense variant. On other transcripts: non-coding transcript variant (1).
Genome position (GRCh38, 1-based): chr8:144,360,640, G>A. VCF-style: chr8-144360640-G-A. GRCh37 (hg19) VCF-style: chr8-145584300-G-A.
Other names: p.Gly351Asp; c.1052G>A, p.Gly351Asp (NM_001363120.2, NM_001363121.2, NM_024531.5 and 2 more transcripts); c.560G>A, p.Gly187Asp (NM_001363122.2); c.788G>A, p.Gly263Asp (NM_001410949.1); short protein forms G187D, G263D, G351D.
Identifiers: ClinVar variation 3765975 (VCV003765975.2).

ClinVar aggregate classification (germline): Uncertain significance. Review status: criteria provided, multiple submitters, no conflicts (2 of 4 stars). 2 submissions from 2 submitters: Uncertain significance (2). Last evaluated 2025-10-03.

Submissions (2):

Mayo Clinic Laboratories, Mayo Clinic
Classification: Uncertain significance. Last evaluated: 2025-10-03. Review status: criteria provided, single submitter. Criteria: ACMG Guidelines, 2015. Collection method: clinical testing. Allele origin: germline. Observed: 1 variant allele.
Comment: PM2_supporting

GeneDx
Classification: Uncertain significance. Last evaluated: 2024-08-29. Review status: criteria provided, single submitter. Criteria: GeneDx Variant Classification Process June 2021. Collection method: clinical testing. Allele origin: germline. Affected: yes.
Comment: Not observed at significant frequency in large population cohorts (gnomAD); In silico analysis indicates that this missense variant does not alter protein structure/function; Has not been previously published as pathogenic or benign to our knowledge